The following is an entry in ClinVar:

ClinVar aggregate classification (germline): Pathogenic (1 of 4 stars; one submission).

Submission:

Labcorp Genetics (formerly Invitae), Labcorp
Classification: Pathogenic. Last evaluated: 2025-09-02. Review status: criteria provided, single submitter. Criteria: Invitae Variant Classification Sherloc (09022015). Collection method: clinical testing. Allele origin: germline.
Comment: This sequence change creates a premature translational stop signal (p.Asp231Profs*2) in the OCA2 gene. It is expected to result in an absent or disrupted protein product. Loss-of-function variants in OCA2 are known to be pathogenic (PMID: 19865097, 21541274). This variant is not present in population databases (gnomAD no frequency). This variant has not been reported in the literature in individuals affected with OCA2-related conditions. Algorithms developed to predict the effect of sequence changes on RNA splicing suggest that this variant may disrupt the consensus splice site. For these reasons, this variant has been classified as Pathogenic.

Literature cited by the submitters: PubMed 19865097; PubMed 21541274.

NM_000275.3(OCA2):c.691_703del (p.Asp231fs)

Gene: OCA2 (OCA2 melanosomal transmembrane protein; minus strand). Cytogenetic location: 15q13.1.
Variant type: Deletion.
Coding change: c.691_703del on transcript NM_000275.3 (MANE Select); coding-DNA positions 691 to 703, 13 bases deleted (GACCTGGCAGGGG).
Protein change: p.Asp231fs; shifts the reading frame from aspartic acid 231.
Molecular consequence: frameshift variant.
Genome position (GRCh38, 1-based): chr15:28,018,501-28,018,513, CCCCTGCCAGGTC deleted on the plus strand (GACCTGGCAGGGG on the coding strand, the reverse complement: OCA2 is on the minus strand); deleting any 13 consecutive bases within chr15:28,018,501-28,018,514 gives the same sequence; the c. name uses the placement nearest the transcript's 3' end. VCF-style (leftmost placement, unchanged base first): chr15-28018500-GCCCCTGCCAGGTC-G. GRCh37 (hg19) VCF-style: chr15-28263646-GCCCCTGCCAGGTC-G.
Other names: c.691_703del, p.Asp231fs (NM_001300984.2); short protein forms D231fs.
Identifiers: ClinVar variation 4726496 (VCV004726496.1).
Genomic context (GRCh38, chr15:28,018,500, plus strand): 5'-GTCAGCTCCACCACGATGTGCTCTTCCCTCCCAGGACGACTCGGCCCACTGGCCACTAGG[GCCCCTGCCAGGTC>G]CACCTGCAGCAGCGTGGAGTCCACGTGGCTGCTAAGGTTCACGGCTCGGAGAGTGTCAAG-3'